The following is an entry in ClinVar:

NM_000057.2(BLM):c.-4-4929_82del

Gene: BLM (BLM RecQ like helicase; plus strand). Cytogenetic location: 15q26.1.
Variant type: Deletion.
Coding change: c.-4-4929_82del on transcript NM_000057.2; 4929 bases into the intron before 4 bases upstream of the start codon through coding-DNA position 82, this stretch deleted.
Other names: c.-4-4929_82del5015 (NM_000057.2).
Identifiers: ClinVar variation 2452573 (VCV002452573.2).

ClinVar aggregate classification (germline): Likely pathogenic (1 of 4 stars; one submission).

Conditions:
Hereditary cancer-predisposing syndrome. Also called: Tumor predisposition; Hereditary Cancer Syndrome; Hereditary neoplastic syndrome; Neoplastic Syndromes, Hereditary. Identifiers: Orphanet 140162, MedGen C0027672, MeSH D009386, MONDO:0015356.

Submission:

Ambry Genetics
Classification: Likely pathogenic for Hereditary cancer-predisposing syndrome. Last evaluated: 2023-03-08. Review status: criteria provided, single submitter. Criteria: Ambry Variant Classification Scheme 2023. Collection method: clinical testing. Allele origin: germline.
Comment: The c.-4-4929_82del5015 gross deletion includes at least a portion of the 5&rsquo; untranslated region (UTR) through at least a portion of coding exon 1 in the BLM gene. This deletion includes the initiation codon and may result in N-terminal truncation. In addition, gross deletions are typically deleterious in nature and the impacted region is critical for protein function (Ambry internal data). This variant is considered to be rare based on population cohorts in the Genome Aggregation Database (gnomAD). Based on the majority of available evidence to date, this variant is likely to be pathogenic.